The following is an entry in ClinVar:

ClinVar aggregate classification (germline): Benign/Likely benign. Review status: criteria provided, multiple submitters, no conflicts (2 of 4 stars). 16 submissions from 16 submitters: Benign (10); Likely benign (5). 1 of the submissions does not count toward it. Last evaluated 2026-09-21.

Conditions:
PKP2-related disorder. Also called: PKP2-related condition.
Cardiovascular phenotype. Identifiers: MedGen CN230736.
Cardiomyopathy (CMYO). Also called: Cardiomyopathies. Identifiers: Orphanet 167848, MedGen C0878544, MONDO:0004994, HP:0001638. Inheritance: Various modes of inheritance.
Arrhythmogenic right ventricular cardiomyopathy (ARVD). Also called: Arrhythmogenic Right Ventricular Cardiomyopathy (ARVC); Cardiomyopathy, ARVC; Arrhythmogenic right ventricular dysplasia; Arrhythmogenic cardiomyopathy. Identifiers: Orphanet 247, MedGen C0349788, MeSH D019571, MONDO:0016587. Disease mechanism: loss of function. Inheritance: Various modes of inheritance.
Arrhythmogenic right ventricular dysplasia 9 (ARVD9). Also called: Arrhythmogenic Right Ventricular Dysplasia/Cardiomyopathy 9; ARRHYTHMOGENIC RIGHT VENTRICULAR DYSPLASIA, FAMILIAL, 9. Identifiers: MedGen C1836906, MONDO:0012180, OMIM 609040.

Allele frequency attached by ClinVar (database versions not stated): gnomAD exomes 0.00222 and 0.00121; ESP Exome Variant Server 0.00146; gnomAD 0.00142 and 0.00148; TOPMed 0.00161; ExAC 0.00184; 1000 Genomes Project 30x 0.00094; 1000 Genomes Project 0.00100.
gnomAD v4.1: 2,143 of 1,613,784 alleles (0.13%); highest among the groups gnomAD compares: Middle Eastern, 1.9%; 26 homozygotes.

Submissions (16):

Molecular Diagnostic Laboratory for Inherited Cardiovascular Disease, Montreal Heart Institute
Classification: Benign. Last evaluated: 2026-09-21. Review status: criteria provided, single submitter. Criteria: ACMG Guidelines, 2015. Collection method: clinical testing. Allele origin: germline. Affected: no.
Comment: BS1;BP4

CeGaT Center for Human Genetics Tuebingen
Classification: Likely benign. Last evaluated: 2026-09-01. Review status: criteria provided, single submitter. Criteria: CeGaT Center For Human Genetics Tuebingen Variant Classification Criteria Version 2. Collection method: clinical testing. Allele origin: germline. Affected: yes. Observed: 76 variant alleles.
Comment: PKP2: BP4, BS1

Labcorp Genetics (formerly Invitae), Labcorp
Classification: Benign for Arrhythmogenic right ventricular dysplasia 9. Last evaluated: 2026-02-02. Review status: criteria provided, single submitter. Criteria: Invitae Variant Classification Sherloc (09022015). Collection method: clinical testing. Allele origin: germline.

ARUP Laboratories, Molecular Genetics and Genomics, ARUP Laboratories
Classification: Benign for Arrhythmogenic right ventricular dysplasia 9. Last evaluated: 2025-05-28. Review status: criteria provided, single submitter. Criteria: ARUP Molecular Germline Variant Investigation Process 2024. Collection method: clinical testing. Allele origin: germline.

Blueprint Genetics
Classification: Likely benign. Last evaluated: 2024-11-27. Review status: criteria provided, single submitter. Criteria: ACMG Guidelines, 2015. Collection method: clinical testing. Allele origin: germline.

GeneDx
Classification: Benign. Last evaluated: 2019-05-22. Review status: criteria provided, single submitter. Criteria: GeneDx Variant Classification Process June 2021. Collection method: clinical testing. Allele origin: germline. Affected: yes.
Comment: This variant is associated with the following publications: (PMID: 25196244, 20864495, 20031616, 26310507, 28255936)

CHEO Genetics Diagnostic Laboratory, Children's Hospital of Eastern Ontario
Classification: Benign for Cardiomyopathy. Last evaluated: 2019-05-10. Review status: criteria provided, single submitter. Criteria: ACMG Guidelines, 2015. Collection method: clinical testing. Allele origin: germline. Study: Canadian Open Genetics Repository.

Color Diagnostics, LLC DBA Color Health
Classification: Benign for Cardiomyopathy. Last evaluated: 2018-03-13. Review status: criteria provided, single submitter. Criteria: ACMG Guidelines, 2015. Collection method: clinical testing. Allele origin: germline.

Illumina Laboratory Services, Illumina
Classification: Likely benign for Arrhythmogenic right ventricular dysplasia 9. Last evaluated: 2018-01-12. Review status: criteria provided, single submitter. Criteria: ICSL Variant Classification Criteria 13 December 2019. Collection method: clinical testing. Allele origin: germline.
Comment: This variant was observed in the ICSL laboratory as part of a predisposition screen in an ostensibly healthy population. It had not been previously curated by ICSL or reported in the Human Gene Mutation Database (HGMD: prior to June 1st, 2018), and was therefore a candidate for classification through an automated scoring system. Utilizing variant allele frequency, disease prevalence and penetrance estimates, and inheritance mode, an automated score was calculated to assess if this variant is too frequent to cause the disease. Based on the score and internal cut-off values, a variant classified as likely benign is not then subjected to further curation. The score for this variant resulted in a classification of likely benign for this disease.

Ambry Genetics
Classification: Benign for Cardiovascular phenotype. Last evaluated: 2017-03-22. Review status: criteria provided, single submitter. Criteria: Ambry Variant Classification Scheme 2023. Collection method: clinical testing. Allele origin: germline.

Mayo Clinic Laboratories, Mayo Clinic
Classification: Benign. Last evaluated: 2017-02-28. Review status: criteria provided, single submitter. Criteria: ACMG Guidelines, 2015. Collection method: clinical testing. Allele origin: germline. Observed: 6 variant alleles.

Genomic Diagnostic Laboratory, Division of Genomic Diagnostics, Children's Hospital of Philadelphia
Classification: Likely benign for Arrhythmogenic right ventricular cardiomyopathy. Last evaluated: 2015-07-10. Review status: criteria provided, single submitter. Criteria: DGD Variant Analysis Guidelines. Collection method: clinical testing. Allele origin: unknown.

Laboratory for Molecular Medicine, Mass General Brigham Personalized Medicine
Classification: Benign. Last evaluated: 2015-03-18. Review status: criteria provided, single submitter. Criteria: LMM Criteria. Collection method: clinical testing. Allele origin: germline. Observed: 11 variant alleles.
Comment: p.Thr338Ala in exon 3 of PKP2: This variant is not expected to have clinical sig nificance due its presence in the general population and a lack of evolutionary conservation (multiple mammals carry an alanine (Ala) at this position despite h igh nearby amino acid conservation). This variant has also been identified in 0. 3% (192/65422) of European chromosomes by the Exome Aggregation Consortium (ExAC; dbSNP rs139851304).

Biesecker Lab/Clinical Genomics Section, National Institutes of Health
Classification: Benign. Last evaluated: 2013-06-24. Review status: criteria provided, single submitter. Criteria: Ng et al. (Circ Cardiovasc Genet. 2013). Collection method: research. Allele origin: unknown. Observed: 11 variant alleles. Study: ClinSeq.
Comment: The study set was not selected for affection status in relation to any cancer. Pathogenicity categories were based on literature curation. See Pubmed ID:23861362 for details.

Medical sequencing

Breakthrough Genomics
Classification: Likely benign. Review status: criteria provided, single submitter. Criteria: ACMG Guidelines, 2015. Collection method: not provided. Allele origin: germline. Inheritance: Autosomal dominant inheritance. Affected: yes.

PreventionGenetics, part of Exact Sciences
Classification: Benign for PKP2-related condition. Last evaluated: 2019-06-06. Review status: no assertion criteria provided. Collection method: clinical testing. Allele origin: germline. Not counted in ClinVar's aggregate classification.
Comment: This variant is classified as benign based on ACMG/AMP sequence variant interpretation guidelines (Richards et al. 2015 PMID: 25741868, with internal and published modifications).

Literature cited by the submitters: PubMed 19955750 (cited by Laboratory for Molecular Medicine, Mass General Brigham Personalized Medicine); PubMed 20031616 (cited by Laboratory for Molecular Medicine, Mass General Brigham Personalized Medicine); PubMed 23861362 (cited by Laboratory for Molecular Medicine, Mass General Brigham Personalized Medicine).

NM_001005242.3(PKP2):c.1012A>G (p.Thr338Ala)

Gene: PKP2 (plakophilin 2; minus strand). Cytogenetic location: 12p11.21.
Variant type: single nucleotide variant.
Coding change: c.1012A>G on transcript NM_001005242.3 (MANE Select); coding-DNA position 1012, A replaced by G.
Protein change: p.Thr338Ala; replaces threonine 338 with alanine.
Molecular consequence: missense variant.
Genome position (GRCh38, 1-based): chr12:32,877,868, T>C on the plus strand (A>G on the coding strand, the complement: PKP2 is on the minus strand). VCF-style: chr12-32877868-T-C. GRCh37 (hg19) VCF-style: chr12-33030802-T-C.
Other names: p.T338A:ACT>GCT; c.1012A>G, p.Thr338Ala (NM_004572.4); short protein forms T338A.
Identifiers: ClinVar variation 45003 (VCV000045003.72), dbSNP rs139851304, ClinGen allele CA010698.